The following is an entry in ClinVar:

ClinVar aggregate classification (germline): Uncertain significance (0 of 4 stars; one submission).

Conditions:
KIDINS220-related disorder. Also called: KIDINS220-related condition.

gnomAD v4.1: 23 of 1,614,042 alleles (0.0014%); highest among the groups gnomAD compares: Non-Finnish European, 0.0019%; no homozygotes.

Submission:

PreventionGenetics, part of Exact Sciences
Classification: Uncertain significance for KIDINS220-related condition. Last evaluated: 2024-07-08. Review status: no assertion criteria provided. Collection method: clinical testing. Allele origin: germline.
Comment: The KIDINS220 c.5279G>A variant is predicted to result in the amino acid substitution p.Ser1760Asn. To our knowledge, this variant has not been reported in the literature. This variant is reported in 0.00088% of alleles in individuals of European (Non-Finnish) descent in gnomAD. At this time, the clinical significance of this variant is uncertain due to the absence of conclusive functional and genetic evidence.

NM_020738.4(KIDINS220):c.5279G>A (p.Ser1760Asn)

Gene: KIDINS220 (kinase D interacting substrate 220; minus strand). Cytogenetic location: 2p25.1.
Variant type: single nucleotide variant.
Coding change: c.5279G>A on transcript NM_020738.4 (MANE Select); coding-DNA position 5279, G replaced by A.
Protein change: p.Ser1760Asn; replaces serine 1760 with asparagine.
Molecular consequence: missense variant. On other transcripts: intron variant (6).
Genome position (GRCh38, 1-based): chr2:8,730,757, C>T on the plus strand (G>A on the coding strand, the complement: KIDINS220 is on the minus strand). VCF-style: chr2-8730757-C-T. GRCh37 (hg19) VCF-style: chr2-8870887-C-T.
Other names: c.5282G>A, p.Ser1761Asn (NM_001348729.2); c.5225G>A, p.Ser1742Asn (NM_001348731.2); c.5222G>A, p.Ser1741Asn (NM_001348732.2); c.5111G>A, p.Ser1704Asn (NM_001348734.2); c.5108G>A, p.Ser1703Asn (NM_001348735.2); c.4982G>A, p.Ser1661Asn (NM_001348736.2); c.3882+2687G>A (NM_001348741.2, NM_001348742.2, NM_001348743.2); c.3996+2687G>A (NM_001348738.2); and 1 more; short protein forms S1661N, S1703N, S1704N, S1741N, S1742N, S1760N, S1761N.
Identifiers: ClinVar variation 3352396 (VCV003352396.1).
Genomic context (GRCh38, chr2:8,730,757, plus strand): 5'-CTCTTCTCCTTTGCTTGTTTTTCTCAAAGAATGCTTTCTCTTTCTTCTCCAAAGCCTGTG[C>T]TCTCAGAAGAGGCTGCTGCATGGAGCTCCGGAGGATCTTTGGAGAGCCTTGTGTAACTTG-3'
Protein context (NP_065789.1, residues 1750-1770): PELHAAASSE[Ser1760Asn]TGFGEERESI